The following is an entry in ClinVar:

ClinVar aggregate classification (germline): Uncertain significance (1 of 4 stars; one submission).

Conditions:
Developmental and epileptic encephalopathy 94 (DEE94). Also called: Epileptic encephalopathy, childhood-onset; CHD2-Related Neurodevelopmental Disorders. Identifiers: Orphanet 1942, Orphanet 2382, MedGen C3809278, MONDO:0014150, OMIM 615369.

Allele frequency attached by ClinVar (database versions not stated): gnomAD exomes below 0.00001; TOPMed below 0.00001; ExAC 0.00001.
gnomAD v4.1: 4 of 1,614,144 alleles (0.00025%); highest among the groups gnomAD compares: South Asian, 0.0011%; no homozygotes.

Submission:

Labcorp Genetics (formerly Invitae), Labcorp
Classification: Uncertain significance for Developmental and epileptic encephalopathy 94. Last evaluated: 2023-02-22. Review status: criteria provided, single submitter. Criteria: Invitae Variant Classification Sherloc (09022015). Collection method: clinical testing. Allele origin: germline.
Comment: In summary, the available evidence is currently insufficient to determine the role of this variant in disease. Therefore, it has been classified as a Variant of Uncertain Significance. This sequence change replaces tyrosine, which is neutral and polar, with cysteine, which is neutral and slightly polar, at codon 1689 of the CHD2 protein (p.Tyr1689Cys). This variant is present in population databases (rs773408940, gnomAD 0.003%). This variant has not been reported in the literature in individuals affected with CHD2-related conditions. ClinVar contains an entry for this variant (Variation ID: 1502755). Advanced modeling of protein sequence and biophysical properties (such as structural, functional, and spatial information, amino acid conservation, physicochemical variation, residue mobility, and thermodynamic stability) performed at Invitae indicates that this missense variant is not expected to disrupt CHD2 protein function.

NM_001271.4(CHD2):c.5066A>G (p.Tyr1689Cys)

Gene: CHD2 (chromodomain helicase DNA binding protein 2; plus strand). Cytogenetic location: 15q26.1.
Variant type: single nucleotide variant.
Coding change: c.5066A>G on transcript NM_001271.4 (MANE Select); coding-DNA position 5066, A replaced by G.
Protein change: p.Tyr1689Cys; replaces tyrosine 1689 with cysteine.
Molecular consequence: missense variant.
Genome position (GRCh38, 1-based): chr15:93,020,171, A>G. VCF-style: chr15-93020171-A-G. GRCh37 (hg19) VCF-style: chr15-93563401-A-G.
Other names: short protein forms Y1689C.
Identifiers: ClinVar variation 1502755 (VCV001502755.8), dbSNP rs773408940, ClinGen allele CA7748641.